The following is an entry in ClinVar:

ClinVar aggregate classification (germline): Benign (0 of 4 stars; one submission).

Conditions:
MAP3K15-related disorder. Also called: MAP3K15-related condition.

Allele frequency attached by ClinVar (database versions not stated): 1000 Genomes Project 0.00185; 1000 Genomes Project 30x 0.00187; TOPMed 0.00640; gnomAD 0.00683; ESP Exome Variant Server 0.00838; ExAC 0.01180.
gnomAD v4.1: 12,191 of 1,178,260 alleles (1%); highest among the groups gnomAD compares: Non-Finnish European, 1.3%; 58 homozygotes.

Submission:

PreventionGenetics, part of Exact Sciences
Classification: Benign for MAP3K15-related condition. Last evaluated: 2019-07-15. Review status: no assertion criteria provided. Collection method: clinical testing. Allele origin: germline.
Comment: This variant is classified as benign based on ACMG/AMP sequence variant interpretation guidelines (Richards et al. 2015 PMID: 25741868, with internal and published modifications).

NM_001001671.4(MAP3K15):c.1480C>T (p.Arg494Cys)

Gene: MAP3K15 (mitogen-activated protein kinase kinase kinase 15; minus strand). Cytogenetic location: Xp22.12.
Variant type: single nucleotide variant.
Coding change: c.1480C>T on transcript NM_001001671.4 (MANE Select); coding-DNA position 1480, C replaced by T.
Protein change: p.Arg494Cys; replaces arginine 494 with cysteine.
Molecular consequence: missense variant.
Genome position (GRCh38, 1-based): chrX:19,415,217, G>A on the plus strand (C>T on the coding strand, the complement: MAP3K15 is on the minus strand). VCF-style: chrX-19415217-G-A. GRCh37 (hg19) VCF-style: chrX-19433335-G-A.
Other names: short protein forms R494C.
Identifiers: ClinVar variation 3044852 (VCV003044852.2), dbSNP rs41305349, ClinGen allele CA10364059.